The following is an entry in ClinVar:

NM_001349253.2(SCN11A):c.4138A>G (p.Met1380Val)

Gene: SCN11A (sodium voltage-gated channel alpha subunit 11; minus strand). Cytogenetic location: 3p22.2.
Variant type: single nucleotide variant.
Coding change: c.4138A>G on transcript NM_001349253.2 (MANE Select); coding-DNA position 4138, A replaced by G.
Protein change: p.Met1380Val; replaces methionine 1380 with valine.
Molecular consequence: missense variant.
Genome position (GRCh38, 1-based): chr3:38,850,670, T>C on the plus strand (A>G on the coding strand, the complement: SCN11A is on the minus strand). VCF-style: chr3-38850670-T-C. GRCh37 (hg19) VCF-style: chr3-38892161-T-C.
Other names: c.4138A>G, p.Met1380Val (NM_014139.3); short protein forms M1380V.
Identifiers: ClinVar variation 2128328 (VCV002128328.4), dbSNP rs2064762488, ClinGen allele CA352165732.

ClinVar aggregate classification (germline): Uncertain significance (1 of 4 stars; one submission).

Conditions:
Hereditary sensory and autonomic neuropathy type 7. Also called: HSAN VII; Neuropathy, hereditary sensory and autonomic, type VII. Identifiers: Orphanet 391397, MedGen C3809882, MONDO:0014244, OMIM 615548.
Familial episodic pain syndrome with predominantly lower limb involvement. Also called: Episodic pain syndrome, familial, 3. Identifiers: Orphanet 391384, Orphanet 391392, MedGen C3809899, MONDO:0014247, OMIM 615552.

Allele frequency attached by ClinVar (database versions not stated): gnomAD exomes below 0.00001.

Submission:

Labcorp Genetics (formerly Invitae), Labcorp
Classification: Uncertain significance for Familial episodic pain syndrome with predominantly lower limb involvement; Hereditary sensory and autonomic neuropathy type 7. Last evaluated: 2022-10-17. Review status: criteria provided, single submitter. Criteria: Invitae Variant Classification Sherloc (09022015). Collection method: clinical testing. Allele origin: germline.
Comment: This sequence change replaces methionine, which is neutral and non-polar, with valine, which is neutral and non-polar, at codon 1380 of the SCN11A protein (p.Met1380Val). This variant is not present in population databases (gnomAD no frequency). This variant has not been reported in the literature in individuals affected with SCN11A-related conditions. Advanced modeling of protein sequence and biophysical properties (such as structural, functional, and spatial information, amino acid conservation, physicochemical variation, residue mobility, and thermodynamic stability) performed at Invitae indicates that this missense variant is not expected to disrupt SCN11A protein function. In summary, the available evidence is currently insufficient to determine the role of this variant in disease. Therefore, it has been classified as a Variant of Uncertain Significance.